The following is an entry in ClinVar:

ClinVar aggregate classification (germline): Conflicting classifications of pathogenicity. Review status: criteria provided, conflicting classifications (1 of 4 stars). 6 submissions from 6 submitters: Uncertain significance (3); Likely benign (3). Last evaluated 2025-11-03.

Conditions:
ALAS2-related disorder. Also called: ALAS2-related condition.

Allele frequency attached by ClinVar (database versions not stated): gnomAD exomes 0.00017 and 0.00009; TOPMed 0.00005; ESP Exome Variant Server 0.00009; gnomAD 0.00010; ExAC 0.00011.
gnomAD v4.1: 191 of 1,209,040 alleles (0.016%); highest among the groups gnomAD compares: Middle Eastern, 0.44%; no homozygotes.

Submissions (6):

Labcorp Genetics (formerly Invitae), Labcorp
Classification: Likely benign. Last evaluated: 2025-11-03. Review status: criteria provided, single submitter. Criteria: Invitae Variant Classification Sherloc (09022015). Collection method: clinical testing. Allele origin: germline.

PreventionGenetics, part of Exact Sciences
Classification: Uncertain significance for ALAS2-related condition. Last evaluated: 2024-11-27. Review status: criteria provided, single submitter. Criteria: ACMG Guidelines, 2015. Collection method: clinical testing. Allele origin: germline.
Comment: The ALAS2 c.1103G>A variant is predicted to result in the amino acid substitution p.Arg368Gln. To our knowledge, this variant has not been reported in the literature. This variant is reported in 0.014% of alleles in individuals of Latino descent in gnomAD (including 9 hemizygotes). While we suspect this variant is benign, the clinical significance of this variant is uncertain due to the absence of conclusive functional and genetic evidence.

Revvity Omics, Revvity
Classification: Uncertain significance. Last evaluated: 2024-04-19. Review status: criteria provided, single submitter. Criteria: ACMG Guidelines, 2015. Collection method: clinical testing. Allele origin: germline.

CeGaT Center for Human Genetics Tuebingen
Classification: Likely benign. Last evaluated: 2024-02-01. Review status: criteria provided, single submitter. Criteria: CeGaT Center For Human Genetics Tuebingen Variant Classification Criteria Version 2. Collection method: clinical testing. Allele origin: germline. Affected: yes. Observed: 2 variant alleles.
Comment: ALAS2: BS2

GeneDx
Classification: Likely benign. Last evaluated: 2021-02-21. Review status: criteria provided, single submitter. Criteria: GeneDx Variant Classification Process June 2021. Collection method: clinical testing. Allele origin: germline. Affected: yes.

Genetic Services Laboratory, University of Chicago
Classification: Uncertain significance. Last evaluated: 2019-07-29. Review status: criteria provided, single submitter. Criteria: ACMG Guidelines, 2015. Collection method: clinical testing. Allele origin: germline. Affected: no.

NM_000032.5(ALAS2):c.1103G>A (p.Arg368Gln)

Gene: ALAS2 (5'-aminolevulinate synthase 2; minus strand). Cytogenetic location: Xp11.21.
Variant type: single nucleotide variant.
Coding change: c.1103G>A on transcript NM_000032.5 (MANE Select); coding-DNA position 1103, G replaced by A.
Protein change: p.Arg368Gln; replaces arginine 368 with glutamine.
Molecular consequence: missense variant.
Genome position (GRCh38, 1-based): chrX:55,015,643, C>T on the plus strand (G>A on the coding strand, the complement: ALAS2 is on the minus strand). VCF-style: chrX-55015643-C-T. GRCh37 (hg19) VCF-style: chrX-55042076-C-T.
Other names: c.1103G>A, p.Arg368Gln (LRG_1163t1); c.992G>A, p.Arg331Gln (NM_001037967.4); c.1064G>A, p.Arg355Gln (NM_001037968.4); short protein forms R368Q, R355Q, R331Q.
Identifiers: ClinVar variation 383289 (VCV000383289.34), dbSNP rs371716491, ClinGen allele CA10428339.